The following is an entry in ClinVar:

ClinVar aggregate classification (germline): Uncertain significance (1 of 4 stars; one submission).

Conditions:
Developmental and epileptic encephalopathy, 39 (DEE39). Also called: DEVELOPMENTAL AND EPILEPTIC ENCEPHALOPATHY 39 WITH LEUKODYSTROPHY. Identifiers: Orphanet 353217, MedGen C2751855, MONDO:0013056, OMIM 612949.

Submission:

Neuberg Centre For Genomic Medicine, NCGM
Classification: Uncertain significance for Developmental and epileptic encephalopathy, 39. Last evaluated: 2023-06-22. Review status: criteria provided, single submitter. Criteria: ACMG Guidelines, 2015. Collection method: clinical testing. Allele origin: germline. Inheritance: Autosomal recessive inheritance. Affected: yes.
Comment: The observed missense variant c.622G>A(p.Gly208Arg) in the SLC25A12 gene has not been reported previously as a pathogenic variant nor as a benign variant, to our knowledge. This variant is absent in the gnomAD Exomes. The amino acid Gly at position 208 is changed to a Arg changing protein sequence and it might alter its composition and physico-chemical properties. Multiple lines of computational evidence (Polyphen - Damaging, SIFT - Damaging and MutationTaster - Disease causing) predict a damaging effect on protein structure and function for this variant. The residue is conserved by GERP++ and PhyloP across 100 vertebrates. For these reasons, this variant has been classified as Uncertain Significance.

NM_003705.5(SLC25A12):c.622G>A (p.Gly208Arg)

Gene: SLC25A12 (solute carrier family 25 member 12; minus strand). Cytogenetic location: 2q31.1.
Variant type: single nucleotide variant.
Coding change: c.622G>A on transcript NM_003705.5 (MANE Select); coding-DNA position 622, G replaced by A.
Protein change: p.Gly208Arg; replaces glycine 208 with arginine.
Molecular consequence: missense variant. On other transcripts: non-coding transcript variant (1).
Genome position (GRCh38, 1-based): chr2:171,834,856, C>T on the plus strand (G>A on the coding strand, the complement: SLC25A12 is on the minus strand). VCF-style: chr2-171834856-C-T. GRCh37 (hg19) VCF-style: chr2-172691366-C-T.
Other names: short protein forms G208R.
Identifiers: ClinVar variation 3731374 (VCV003731374.1).